The following is an entry in ClinVar:

ClinVar aggregate classification (germline): Uncertain significance. Review status: criteria provided, multiple submitters, no conflicts (2 of 4 stars). 2 submissions from 2 submitters: Uncertain significance (2). Last evaluated 2021-04-20.

Allele frequency attached by ClinVar (database versions not stated): gnomAD 0.00001.

Submissions (2):

Labcorp Genetics (formerly Invitae), Labcorp
Classification: Uncertain significance. Last evaluated: 2021-04-20. Review status: criteria provided, single submitter. Criteria: Invitae Variant Classification Sherloc (09022015). Collection method: clinical testing. Allele origin: germline.
Comment: This variant has not been reported in the literature in individuals with PCLO-related conditions. In summary, the available evidence is currently insufficient to determine the role of this variant in disease. Therefore, it has been classified as a Variant of Uncertain Significance. Algorithms developed to predict the effect of missense changes on protein structure and function output the following: SIFT: "Tolerated"; PolyPhen-2: "Benign"; Align-GVGD: "Class C0". The leucine amino acid residue is found in multiple mammalian species, suggesting that this missense change does not adversely affect protein function. These predictions have not been confirmed by published functional studies and their clinical significance is uncertain. This variant is not present in population databases (ExAC no frequency). This sequence change replaces glutamine with leucine at codon 483 of the PCLO protein (p.Gln483Leu). The glutamine residue is weakly conserved and there is a moderate physicochemical difference between glutamine and leucine.

Breakthrough Genomics
Classification: Uncertain significance. Review status: criteria provided, single submitter. Criteria: ACMG Guidelines, 2015. Collection method: not provided. Allele origin: germline. Inheritance: Autosomal recessive inheritance. Affected: yes.

NM_033026.6(PCLO):c.1448A>T (p.Gln483Leu)

Gene: PCLO (piccolo presynaptic cytomatrix protein; minus strand). Cytogenetic location: 7q21.11.
Variant type: single nucleotide variant.
Coding change: c.1448A>T on transcript NM_033026.6 (MANE Select); coding-DNA position 1448, A replaced by T.
Protein change: p.Gln483Leu; replaces glutamine 483 with leucine.
Molecular consequence: missense variant.
Genome position (GRCh38, 1-based): chr7:83,155,193, T>A on the plus strand (A>T on the coding strand, the complement: PCLO is on the minus strand). VCF-style: chr7-83155193-T-A. GRCh37 (hg19) VCF-style: chr7-82784509-T-A.
Other names: c.1448A>T, p.Gln483Leu (NM_014510.3); short protein forms Q483L.
Identifiers: ClinVar variation 1474522 (VCV001474522.9), dbSNP rs1263399290, ClinGen allele CA367914213.
Genomic context (GRCh38, chr7:83,155,193, plus strand): 5'-TGTTGAGATGGGGGCTTTGCTGAGCCAGGCTGTTGAGGTGGGGGCTTTGCTGGGCCAGGC[T>A]GTTGAGGTGGGGGCTTTGCTGGGCCAGGCAGTTGTGAAGGAGGCTTTGTTGGGCCAGTCT-3'
Protein context (NP_149015.2, residues 473-493): LPGPAKPPPQ[Gln483Leu]PGPAKPPPQQ